The following is an entry in ClinVar:

NM_000878.5(IL2RB):c.1252T>C (p.Tyr418His)

Gene: IL2RB (interleukin 2 receptor subunit beta; minus strand). Cytogenetic location: 22q12.3.
Variant type: single nucleotide variant.
Coding change: c.1252T>C on transcript NM_000878.5 (MANE Select); coding-DNA position 1252, T replaced by C.
Protein change: p.Tyr418His; replaces tyrosine 418 with histidine.
Molecular consequence: missense variant.
Genome position (GRCh38, 1-based): chr22:37,128,500, A>G on the plus strand (T>C on the coding strand, the complement: IL2RB is on the minus strand). VCF-style: chr22-37128500-A-G. GRCh37 (hg19) VCF-style: chr22-37524540-A-G.
Other names: c.1252T>C, p.Tyr418His (NM_001346222.1, NM_001346223.2); short protein forms Y418H.
Identifiers: ClinVar variation 1405774 (VCV001405774.6), dbSNP rs1358364688, ClinGen allele CA411424829.

ClinVar aggregate classification (germline): Uncertain significance (1 of 4 stars; one submission).

Allele frequency attached by ClinVar (database versions not stated): TOPMed below 0.00001; gnomAD exomes 0.00001.

Submission:

Labcorp Genetics (formerly Invitae), Labcorp
Classification: Uncertain significance. Last evaluated: 2023-09-11. Review status: criteria provided, single submitter. Criteria: Invitae Variant Classification Sherloc (09022015). Collection method: clinical testing. Allele origin: germline.
Comment: In summary, the available evidence is currently insufficient to determine the role of this variant in disease. Therefore, it has been classified as a Variant of Uncertain Significance. An algorithm developed to predict the effect of missense changes on protein structure and function (PolyPhen-2) suggests that this variant is likely to be disruptive. ClinVar contains an entry for this variant (Variation ID: 1405774). This variant has not been reported in the literature in individuals affected with IL2RB-related conditions. This variant is present in population databases (no rsID available, gnomAD 0.009%). This sequence change replaces tyrosine, which is neutral and polar, with histidine, which is basic and polar, at codon 418 of the IL2RB protein (p.Tyr418His).